The following is an entry in ClinVar:

ClinVar aggregate classification (germline): Uncertain significance. Review status: criteria provided, single submitter (1 of 4 stars). 2 submissions from 2 submitters: Uncertain significance (1). 1 of the submissions does not count toward it. Last evaluated 2026-07-31.

Conditions:
Hereditary cancer-predisposing syndrome. Also called: Hereditary Cancer Syndrome; Hereditary neoplastic syndrome; Neoplastic Syndromes, Hereditary; Tumor predisposition. Identifiers: Orphanet 140162, MedGen C0027672, MeSH D009386, MONDO:0015356.
Gastric cancer. Also called: Malignant tumor of stomach; Stomach cancer. Identifiers: MedGen C0024623, MeSH D013274, MONDO:0001056, OMIM 613659, HP:0012126.

Submissions (2):

Ambry Genetics
Classification: Uncertain significance for Hereditary cancer-predisposing syndrome. Last evaluated: 2026-07-31. Review status: criteria provided, single submitter. Criteria: Ambry Variant Classification Scheme 2023. Collection method: clinical testing. Allele origin: germline.
Comment: The c.775dupC variant, located in coding exon 2 of the HOXB13 gene, results from a duplication of C at nucleotide position 775, causing a translational frameshift with a predicted alternate stop codon (p.Q259Pfs*63). This variant occurs at the 3' terminus of the gene and is not expected to trigger nonsense-mediated mRNA decay. Based on the available evidence, the clinical significance of this variant remains unclear.

Laboratory for Genotyping Development, RIKEN
Classification: Pathogenic for Gastric cancer. Last evaluated: 2021-07-01. Review status: no assertion criteria provided. Collection method: research. Allele origin: germline. Not counted in ClinVar's aggregate classification.

Literature cited by the submitters: PubMed 36988593 (cited by Laboratory for Genotyping Development, RIKEN).

NM_006361.6(HOXB13):c.775dup (p.Gln259fs)

Gene: HOXB13 (homeobox B13; minus strand). Cytogenetic location: 17q21.32.
Variant type: Duplication.
Coding change: c.775dup on transcript NM_006361.6 (MANE Select); coding-DNA position 775, one base duplicated (C; older notation c.775dupC).
Protein change: p.Gln259fs; shifts the reading frame from glutamine 259.
Molecular consequence: frameshift variant.
Genome position (GRCh38, 1-based): chr17:48,726,870, G duplicated on the plus strand (C on the coding strand, the reverse complement: HOXB13 is on the minus strand); the first of 2 consecutive G bases (chr17:48,726,870-48,726,871); duplicating either gives the same sequence. VCF-style (leftmost placement, unchanged base first): chr17-48726869-T-TG. GRCh37 (hg19) VCF-style: chr17-46804231-T-TG.
Other names: c.775dupC (NM_006361.5); short protein forms Q259fs.
Identifiers: ClinVar variation 1801593 (VCV001801593.3), dbSNP rs2509512910, ClinGen allele CA2580094099.